The following is an entry in ClinVar:

ClinVar aggregate classification (germline): Likely benign. Review status: criteria provided, multiple submitters, no conflicts (2 of 4 stars). 4 submissions from 4 submitters: Likely benign (3). 1 of the submissions does not count toward it. Last evaluated 2025-07-27.

Conditions:
Developmental delay, hypotonia, musculoskeletal defects, and behavioral abnormalities. Identifiers: MedGen C5562012, MONDO:0859202, OMIM 619595.
Floating-Harbor syndrome (FLHS). Also called: SRCAP-Related Floating-Harbor Syndrome; Short stature with delayed bone age, expressive language delay, a triangular face with a prominent nose and deep-set eyes; Pelletier-Leisti syndrome. Identifiers: Orphanet 2044, MedGen C0729582, MONDO:0007621, OMIM 136140.
SRCAP-related disorder. Also called: SRCAP-related condition.

Allele frequency attached by ClinVar (database versions not stated): gnomAD exomes 0.00003 and 0.00004; TOPMed 0.00003; ExAC 0.00004; gnomAD 0.00004 and 0.00005.

Submissions (4):

Labcorp Genetics (formerly Invitae), Labcorp
Classification: Likely benign. Last evaluated: 2025-07-27. Review status: criteria provided, single submitter. Criteria: Invitae Variant Classification Sherloc (09022015). Collection method: clinical testing. Allele origin: germline.

Blueprint Genetics
Classification: Likely benign. Last evaluated: 2023-11-28. Review status: criteria provided, single submitter. Criteria: ACMG Guidelines, 2015. Collection method: clinical testing. Allele origin: germline.

Fulgent Genetics
Classification: Likely benign for Floating-Harbor syndrome; Developmental delay, hypotonia, musculoskeletal defects, and behavioral abnormalities. Last evaluated: 2021-12-07. Review status: criteria provided, single submitter. Criteria: ACMG Guidelines, 2015. Collection method: clinical testing. Allele origin: unknown.

PreventionGenetics, part of Exact Sciences
Classification: Likely benign for SRCAP-related condition. Last evaluated: 2024-04-04. Review status: no assertion criteria provided. Collection method: clinical testing. Allele origin: germline. Not counted in ClinVar's aggregate classification.
Comment: This variant is classified as likely benign based on ACMG/AMP sequence variant interpretation guidelines (Richards et al. 2015 PMID: 25741868, with internal and published modifications).

NM_006662.3(SRCAP):c.8535C>T (p.Asp2845=)

Gene: SRCAP (Snf2 related CREBBP activator protein; plus strand). Cytogenetic location: 16p11.2.
Variant type: single nucleotide variant.
Coding change: c.8535C>T on transcript NM_006662.3 (MANE Select); coding-DNA position 8535, C replaced by T.
Protein change: p.Asp2845=; no amino-acid change (aspartic acid 2845 retained).
Molecular consequence: synonymous variant.
Genome position (GRCh38, 1-based): chr16:30,738,575, C>T. VCF-style: chr16-30738575-C-T. GRCh37 (hg19) VCF-style: chr16-30749896-C-T.
Other names: c.8535C>T (NM_006662.2).
Identifiers: ClinVar variation 1558795 (VCV001558795.12), dbSNP rs778040460, ClinGen allele CA8012724.